The following is an entry in ClinVar:

NM_004766.3(COPB2):c.2414TTG[2] (p.Val807del)

Gene: COPB2 (coat protein complex I subunit beta 2; minus strand). Cytogenetic location: 3q23.
Variant type: Microsatellite.
Coding change: c.2414TTG[2] on transcript NM_004766.3 (MANE Select); two copies in a row of the 3-base unit TTG starting at c.2414; the reference has three copies in a row; one copy, 3 bases deleted.
Protein change: p.Val807del; deletes valine 807.
Molecular consequence: non-coding transcript variant (on NR_023350.1).
Genome position (GRCh38, 1-based): chr3:139,359,060-139,359,062, CAA deleted on the plus strand (TTG on the coding strand, the reverse complement: COPB2 is on the minus strand); deleting any 3 consecutive bases within chr3:139,359,060-139,359,068 gives the same sequence; the position shown is the placement nearest the transcript's 3' end. VCF-style (leftmost placement, unchanged base first): chr3-139359059-TCAA-T. GRCh37 (hg19) VCF-style: chr3-139077901-TCAA-T.
Other names: c.2327TTG[2], p.Val778del (NM_001410834.1); short protein forms V778del, V807del.
Identifiers: ClinVar variation 4775472 (VCV004775472.1).

ClinVar aggregate classification (germline): Uncertain significance (1 of 4 stars; one submission).

Submission:

Labcorp Genetics (formerly Invitae), Labcorp
Classification: Uncertain significance. Last evaluated: 2025-02-04. Review status: criteria provided, single submitter. Criteria: Invitae Variant Classification Sherloc (09022015). Collection method: clinical testing. Allele origin: germline.
Comment: This variant, c.2420_2422del, results in the deletion of 1 amino acid(s) of the COPB2 protein (p.Val807del), but otherwise preserves the integrity of the reading frame. This variant is present in population databases (no rsID available, gnomAD 0.0009%). This variant has not been reported in the literature in individuals affected with COPB2-related conditions. Experimental studies and prediction algorithms are not available or were not evaluated, and the functional significance of this variant is currently unknown. In summary, the available evidence is currently insufficient to determine the role of this variant in disease. Therefore, it has been classified as a Variant of Uncertain Significance.